The following is an entry in ClinVar:

NM_199420.4(POLQ):c.6446T>A (p.Met2149Lys)

Gene: POLQ (DNA polymerase theta; minus strand). Cytogenetic location: 3q13.33.
Variant type: single nucleotide variant.
Coding change: c.6446T>A on transcript NM_199420.4 (MANE Select); coding-DNA position 6446, T replaced by A.
Protein change: p.Met2149Lys; replaces methionine 2149 with lysine.
Molecular consequence: missense variant.
Genome position (GRCh38, 1-based): chr3:121,473,447, A>T on the plus strand (T>A on the coding strand, the complement: POLQ is on the minus strand). VCF-style: chr3-121473447-A-T. GRCh37 (hg19) VCF-style: chr3-121192294-A-T.
Other names: short protein forms M2149K.
Identifiers: ClinVar variation 2449001 (VCV002449001.2), dbSNP rs1266982082, ClinGen allele CA354086095.
Genomic context (GRCh38, chr3:121,473,447, plus strand): 5'-CGTCCATTGTCAATCCCTCTTCTGGTAGAACCCAGAGTTTTCTTGCTGCCTTGGTTTTTC[A>T]TCTCTCTATTTGGGGGCAACTTCAATTCCAAAAATAAAACCTGCAAGAAATTAATGTCTC-3'
Protein context (NP_955452.3, residues 2139-2159): LELKLPPNRE[Met2149Lys]KNQGSKKTLG

ClinVar aggregate classification (germline): Uncertain significance (1 of 4 stars; one submission).

Allele frequency attached by ClinVar (database versions not stated): gnomAD exomes below 0.00001.
gnomAD v4.1: 2 of 1,613,472 alleles (0.00012%); highest among the groups gnomAD compares: South Asian, 0.0011%; no homozygotes.

Submission:

Ambry Genetics
Classification: Uncertain significance. Last evaluated: 2023-02-09. Review status: criteria provided, single submitter. Criteria: Ambry Variant Classification Scheme 2023. Collection method: clinical testing. Allele origin: germline.
Comment: The p.M2149K variant (also known as c.6446T>A), located in coding exon 21 of the POLQ gene, results from a T to A substitution at nucleotide position 6446. The methionine at codon 2149 is replaced by lysine, an amino acid with similar properties. This amino acid position is conserved. In addition, this alteration is predicted to be tolerated by in silico analysis. Since supporting evidence is limited at this time, the clinical significance of this alteration remains unclear.